The following is an entry in ClinVar:

NM_033028.5(BBS4):c.315G>T (p.Lys105Asn)

Gene: BBS4 (Bardet-Biedl syndrome 4; plus strand). Cytogenetic location: 15q24.1.
Variant type: single nucleotide variant.
Coding change: c.315G>T on transcript NM_033028.5 (MANE Select); coding-DNA position 315, G replaced by T.
Protein change: p.Lys105Asn; replaces lysine 105 with asparagine.
Molecular consequence: missense variant. On other transcripts: 5 prime UTR variant (1), non-coding transcript variant (2).
Genome position (GRCh38, 1-based): chr15:72,715,385, G>T. VCF-style: chr15-72715385-G-T. GRCh37 (hg19) VCF-style: chr15-73007726-G-T.
Other names: c.-207G>T (NM_001252678.2); c.315G>T, p.Lys105Asn (NM_001320665.2); short protein forms K105N.
Identifiers: ClinVar variation 1007651 (VCV001007651.8), dbSNP rs766485888, ClinGen allele CA7646573.

ClinVar aggregate classification (germline): Uncertain significance (1 of 4 stars; one submission).

Conditions:
Bardet-Biedl syndrome (BBS). Identifiers: Orphanet 110, MedGen C0752166, MONDO:0015229.

Allele frequency attached by ClinVar (database versions not stated): gnomAD exomes below 0.00001; TOPMed below 0.00001; ExAC 0.00001; gnomAD 0.00001.

Submission:

Labcorp Genetics (formerly Invitae), Labcorp
Classification: Uncertain significance for Bardet-Biedl syndrome. Last evaluated: 2020-01-11. Review status: criteria provided, single submitter. Criteria: Invitae Variant Classification Sherloc (09022015). Collection method: clinical testing. Allele origin: germline.
Comment: This sequence change replaces lysine with asparagine at codon 105 of the BBS4 protein (p.Lys105Asn). The lysine residue is highly conserved and there is a moderate physicochemical difference between lysine and asparagine. This variant is present in population databases (rs766485888, ExAC 0.002%). This variant has not been reported in the literature in individuals with BBS4-related conditions. In summary, the available evidence is currently insufficient to determine the role of this variant in disease. Therefore, it has been classified as a Variant of Uncertain Significance. Algorithms developed to predict the effect of missense changes on protein structure and function are either unavailable or do not agree on the potential impact of this missense change (SIFT: "Tolerated"; PolyPhen-2: "Probably Damaging"; Align-GVGD: "Class C15").